The following is an entry in ClinVar:

ClinVar aggregate classification (germline): Conflicting classifications of pathogenicity. Review status: criteria provided, conflicting classifications (1 of 4 stars). 5 submissions from 4 submitters: Uncertain significance (4); Benign (1). Last evaluated 2025-11-25.

Conditions:
Hereditary cancer-predisposing syndrome. Also called: Hereditary Cancer Syndrome; Neoplastic Syndromes, Hereditary; Tumor predisposition; Hereditary neoplastic syndrome. Identifiers: Orphanet 140162, MedGen C0027672, MeSH D009386, MONDO:0015356.
Cardiovascular phenotype. Identifiers: MedGen CN230736.
Juvenile myelomonocytic leukemia (JMML). Also called: LEUKEMIA, JUVENILE MYELOMONOCYTIC, SOMATIC. Identifiers: Orphanet 86834, MedGen C0349639, MONDO:0011908, OMIM 607785, HP:0012209.
Café-au-lait macules with pulmonary stenosis (WTSN). Also called: PULMONIC STENOSIS WITH CAFE-AU-LAIT SPOTS. Identifiers: MedGen C0553586, MONDO:0008672, OMIM 193520.
Neurofibromatosis, type 1 (NF1). Also called: NEUROFIBROMATOSIS, TYPE I, SOMATIC; VON RECKLINGHAUSEN DISEASE; Peripheral type neurofibromatosis; Neurofibromatosis, type I. Identifiers: Orphanet 636, MedGen C0027831, MONDO:0018975, OMIM 162200. Disease mechanism: loss of function.
Neurofibromatosis-Noonan syndrome (NFNS). Also called: NEUROFIBROMATOSIS WITH NOONAN PHENOTYPE. Identifiers: Orphanet 638, MedGen C2931482, MONDO:0011035, OMIM 601321. Disease mechanism: loss of function.
Neurofibromatosis, familial spinal (FSNF). Identifiers: Orphanet 636, MedGen C1834235, MONDO:0008078, OMIM 162210. Disease mechanism: loss of function.

Allele frequency attached by ClinVar (database versions not stated): gnomAD exomes below 0.00001; gnomAD 0.00001 and 0.00002; TOPMed 0.00001.

Submissions (5):

Labcorp Genetics (formerly Invitae), Labcorp
Classification: Benign for Neurofibromatosis, type 1. Last evaluated: 2025-11-25. Review status: criteria provided, single submitter. Criteria: Invitae Variant Classification Sherloc (09022015). Collection method: clinical testing. Allele origin: germline.

Genome-Nilou Lab
Classification: Uncertain significance for Neurofibromatosis, type 1. Last evaluated: 2022-03-15. Review status: criteria provided, single submitter. Criteria: ACMG Guidelines, 2015. Collection method: clinical testing. Allele origin: germline. Affected: no.

Fulgent Genetics
Classification: Uncertain significance for Neurofibromatosis, type 1; Neurofibromatosis, familial spinal; Café-au-lait macules with pulmonary stenosis; Neurofibromatosis-Noonan syndrome; Juvenile myelomonocytic leukemia. Last evaluated: 2021-12-02. Review status: criteria provided, single submitter. Criteria: ACMG Guidelines, 2015. Collection method: clinical testing. Allele origin: unknown.

Ambry Genetics
Classification: Uncertain significance for Cardiovascular phenotype; Hereditary cancer-predisposing syndrome. Last evaluated: 2021-02-09. Review status: criteria provided, single submitter. Criteria: Ambry Variant Classification Scheme 2023. Collection method: clinical testing. Allele origin: germline.

Ambry Genetics
Classification: Uncertain significance for Hereditary cancer-predisposing syndrome. Last evaluated: 2015-12-23. Review status: criteria provided, single submitter. Criteria: Ambry Autosomal Dominant and X-Linked criteria (10/2015). Collection method: clinical testing. Allele origin: germline. Observed: 1 variant allele.
Comment: Thep.F71Svariant (also known as c.212T>C), located in codingexon3 of theNF1gene, results from a T to C substitution at nucleotide position 212. Thephenylalanineatcodon71 is replaced byserine, an amino acid with highly dissimilar properties. This variant was not reported in population based cohorts in the following databases: Database of Single Nucleotide Polymorphisms (dbSNP), NHLBI Exome Sequencing Project (ESP), and 1000 Genomes Project. In the ESP, this variant was not observed in 6501 samples (13002 alleles) with coverage at this position. To date, this alteration has been detected with an allele frequency of approximately 0.002% (greater than 110000 alleles tested) in our clinical cohort. This amino acid position is highly conserved in available vertebrate species; however, serineis the reference amino acid in one reptile species. In addition, the in silico prediction for this alteration is inconclusive. Since supporting evidence is limited at this time, the clinical significance of p.F71S remains unclear.

NM_001042492.3(NF1):c.212T>C (p.Phe71Ser)

Gene: NF1 (neurofibromin 1; plus strand). Cytogenetic location: 17q11.2.
Variant type: single nucleotide variant.
Coding change: c.212T>C on transcript NM_001042492.3 (MANE Select); coding-DNA position 212, T replaced by C.
Protein change: p.Phe71Ser; replaces phenylalanine 71 with serine.
Molecular consequence: missense variant.
Genome position (GRCh38, 1-based): chr17:31,159,017, T>C. VCF-style: chr17-31159017-T-C. GRCh37 (hg19) VCF-style: chr17-29486035-T-C.
Other names: c.212T>C, p.Phe71Ser (NM_000267.4, NM_001128147.3); short protein forms F71S.
Identifiers: ClinVar variation 187703 (VCV000187703.14), dbSNP rs752396270, ClinGen allele CA198351.
Genomic context (GRCh38, chr17:31,159,017, plus strand): 5'-TTGGTAGCAGAAAGTGAAACTAACTTTTATGTTCTGAATATCTTTTCTGTTAGAGAATAT[T>C]TGGAGAAGCTGCTGAAAAAAATTTATATCTCTCTCAGTTGATTATATTGGATACACTGGA-3'
Protein context (NP_001035957.1, residues 61-81): ILKNVNNMRI[Phe71Ser]GEAAEKNLYL